The following is an entry in ClinVar:

ClinVar aggregate classification (germline): Conflicting classifications of pathogenicity. Review status: criteria provided, conflicting classifications (1 of 4 stars). 4 submissions from 4 submitters: Uncertain significance (1); Likely benign (3). Last evaluated 2026-02-25.

Conditions:
Ullrich congenital muscular dystrophy 2 (UCMD2). Identifiers: Orphanet 75840, MedGen C4225314, MONDO:0014654, OMIM 616470.
Bethlem myopathy 2 (BTHLM2). Identifiers: Orphanet 536516, Orphanet 610, MedGen C4225313, MONDO:0034022, OMIM 616471.
Inborn genetic diseases. Identifiers: MedGen C0950123, MeSH D030342.

Allele frequency attached by ClinVar (database versions not stated): 1000 Genomes Project 30x 0.00047; 1000 Genomes Project 0.00060; gnomAD 0.00109 and 0.00118; TOPMed 0.00116; ESP Exome Variant Server 0.00135.
gnomAD v4.1: 322 of 1,613,180 alleles (0.02%); highest among the groups gnomAD compares: African/African-American, 0.39%; 1 homozygote.

Submissions (4):

Women's Health and Genetics/Laboratory Corporation of America, LabCorp
Classification: Likely benign. Last evaluated: 2026-02-25. Review status: criteria provided, single submitter. Criteria: LabCorp Variant Classification Summary - May 2015. Collection method: clinical testing. Allele origin: germline.
Comment: Variant summary: COL12A1 c.743T>C (p.Ile248Thr) results in a non-conservative amino acid change in the encoded protein sequence. Algorithms developed to predict the effect of missense changes on protein structure and function all suggest that this variant is likely to be disruptive. The variant allele was found at a frequency of 0.00029 in 249016 control chromosomes, predominantly at a frequency of 0.0044 within the African or African-American subpopulation in the gnomAD database. The observed variant frequency within African or African-American control individuals in the gnomAD database exceeds the estimated maximal expected allele frequency for disease-causing variants in COL12A1, suggesting the variant is benign. To our knowledge, no occurrence of c.743T>C in individuals affected with COL12A1-related conditions and no experimental evidence demonstrating its impact on protein function have been reported. ClinVar contains an entry for this variant (Variation ID: 706089). Based on the evidence outlined above, the variant was classified as likely benign.

Labcorp Genetics (formerly Invitae), Labcorp
Classification: Likely benign for Bethlem myopathy 2; Ullrich congenital muscular dystrophy 2. Last evaluated: 2025-12-26. Review status: criteria provided, single submitter. Criteria: Invitae Variant Classification Sherloc (09022015). Collection method: clinical testing. Allele origin: germline.

Ambry Genetics
Classification: Uncertain significance for Inborn genetic diseases. Last evaluated: 2025-06-24. Review status: criteria provided, single submitter. Criteria: Ambry Variant Classification Scheme 2023. Collection method: clinical testing. Allele origin: germline.

GeneDx
Classification: Likely benign. Last evaluated: 2020-02-27. Review status: criteria provided, single submitter. Criteria: GeneDx Variant Classification Process June 2021. Collection method: clinical testing. Allele origin: germline. Affected: yes.

NM_004370.6(COL12A1):c.743T>C (p.Ile248Thr)

Gene: COL12A1 (collagen type XII alpha 1 chain; minus strand). Cytogenetic location: 6q13.
Variant type: single nucleotide variant.
Coding change: c.743T>C on transcript NM_004370.6 (MANE Select); coding-DNA position 743, T replaced by C.
Protein change: p.Ile248Thr; replaces isoleucine 248 with threonine.
Molecular consequence: missense variant. On other transcripts: intron variant (1).
Genome position (GRCh38, 1-based): chr6:75,189,297, A>G on the plus strand (T>C on the coding strand, the complement: COL12A1 is on the minus strand). VCF-style: chr6-75189297-A-G. GRCh37 (hg19) VCF-style: chr6-75899013-A-G.
Other names: c.73+13423T>C (NM_080645.3); short protein forms I248T.
Identifiers: ClinVar variation 706089 (VCV000706089.15), dbSNP rs199673248, ClinGen allele CA3894358.